The following is an entry in ClinVar:

NM_001253852.3(AP4B1):c.352C>T (p.Gln118Ter)

Gene: AP4B1 (adaptor related protein complex 4 subunit beta 1; minus strand). Cytogenetic location: 1p13.2.
Variant type: single nucleotide variant.
Coding change: c.352C>T on transcript NM_001253852.3 (MANE Select); coding-DNA position 352, C replaced by T.
Protein change: p.Gln118Ter; replaces glutamine 118 with a stop codon.
Molecular consequence: nonsense. On other transcripts: intron variant (1).
Genome position (GRCh38, 1-based): chr1:113,901,872, G>A on the plus strand (C>T on the coding strand, the complement: AP4B1 is on the minus strand). VCF-style: chr1-113901872-G-A. GRCh37 (hg19) VCF-style: chr1-114444494-G-A.
Other names: c.55C>T, p.Gln19Ter (NM_001253853.3); c.352C>T, p.Gln118Ter (NM_006594.5); c.114-1472C>T (NM_001308312.2); short protein forms Q19*, Q118*.
Identifiers: ClinVar variation 1457254 (VCV001457254.6), dbSNP rs1013939776, ClinGen allele CA28972890.

ClinVar aggregate classification (germline): Pathogenic (1 of 4 stars; one submission).

Conditions:
Hereditary spastic paraplegia 47. Also called: Spastic paraplegia 47, autosomal recessive; adaptor protein 4 (AP-4) deficiency syndrome; CEREBRAL PALSY, SPASTIC QUADRIPLEGIC, 5. Identifiers: Orphanet 280763, MedGen C3279738, MONDO:0013551, OMIM 614066.

Submission:

Labcorp Genetics (formerly Invitae), Labcorp
Classification: Pathogenic for Hereditary spastic paraplegia 47. Last evaluated: 2022-08-09. Review status: criteria provided, single submitter. Criteria: Invitae Variant Classification Sherloc (09022015). Collection method: clinical testing. Allele origin: germline.
Comment: For these reasons, this variant has been classified as Pathogenic. ClinVar contains an entry for this variant (Variation ID: 1457254). This variant has not been reported in the literature in individuals affected with AP4B1-related conditions. This variant is not present in population databases (gnomAD no frequency). This sequence change creates a premature translational stop signal (p.Gln118*) in the AP4B1 gene. It is expected to result in an absent or disrupted protein product. Loss-of-function variants in AP4B1 are known to be pathogenic (PMID: 22290197, 24700674, 24781758).

Literature cited by the submitters: PubMed 22290197; PubMed 24700674; PubMed 24781758.